The following is an entry in ClinVar:

NM_001288705.3(CSF1R):c.*500C>T

Gene: CSF1R (colony stimulating factor 1 receptor; minus strand). Cytogenetic location: 5q32.
Variant type: single nucleotide variant.
Coding change: c.*500C>T on transcript NM_001288705.3 (MANE Select); 500 bases downstream of the stop codon, C replaced by T.
Molecular consequence: 3 prime UTR variant. On other transcripts: non-coding transcript variant (2).
Genome position (GRCh38, 1-based): chr5:150,053,569, G>A on the plus strand (C>T on the coding strand, the complement: CSF1R is on the minus strand). VCF-style: chr5-150053569-G-A. GRCh37 (hg19) VCF-style: chr5-149433132-G-A.
Other names: c.*500C>T (NM_001349736.2, NM_001375320.1, NM_001375321.1 and 1 more transcripts).
Identifiers: ClinVar variation 352108 (VCV000352108.5), dbSNP rs138905856, ClinGen allele CA10623545.

ClinVar aggregate classification (germline): Benign (1 of 4 stars; one submission).

Conditions:
Hereditary diffuse leukoencephalopathy with spheroids. Also called: LEUKOENCEPHALOPATHY, ADULT-ONSET, WITH AXONAL SPHEROIDS AND PIGMENTED GLIA. Identifiers: Orphanet 313808, MedGen C3711381, MONDO:0030796.

Allele frequency attached by ClinVar (database versions not stated): 1000 Genomes Project 0.00200; gnomAD 0.00017 and 0.00002; 1000 Genomes Project 30x 0.00141; gnomAD exomes 0.00167; TOPMed 0.00002.
gnomAD v4.1: 176 of 250,366 alleles (0.07%); highest among the groups gnomAD compares: East Asian, 1%; no homozygotes.

Submission:

Illumina Laboratory Services, Illumina
Classification: Benign for Leukoencephalopathy, diffuse hereditary, with spheroids 1. Last evaluated: 2018-01-12. Review status: criteria provided, single submitter. Criteria: ICSL Variant Classification Criteria 13 December 2019. Collection method: clinical testing. Allele origin: germline.
Comment: This variant was observed in the ICSL laboratory as part of a predisposition screen in an ostensibly healthy population. It had not been previously curated by ICSL or reported in the Human Gene Mutation Database (HGMD: prior to June 1st, 2018), and was therefore a candidate for classification through an automated scoring system. Utilizing variant allele frequency, disease prevalence and penetrance estimates, and inheritance mode, an automated score was calculated to assess if this variant is too frequent to cause the disease. Based on the score and internal cut-off values, a variant classified as benign is not then subjected to further curation. The score for this variant resulted in a classification of benign for this disease.